The following is an entry in ClinVar:

ClinVar aggregate classification (germline): Likely benign (0 of 4 stars; one submission).

Conditions:
TBC1D1-related disorder. Also called: TBC1D1-related condition.

Allele frequency attached by ClinVar (database versions not stated): gnomAD exomes 0.00001; TOPMed 0.00002; ExAC 0.00005.
gnomAD v4.1: 11 of 1,613,814 alleles (0.00068%); highest among the groups gnomAD compares: East Asian, 0.025%; no homozygotes.

Submission:

PreventionGenetics, part of Exact Sciences
Classification: Likely benign for TBC1D1-related condition. Last evaluated: 2021-05-04. Review status: no assertion criteria provided. Collection method: clinical testing. Allele origin: germline.
Comment: This variant is classified as likely benign based on ACMG/AMP sequence variant interpretation guidelines (Richards et al. 2015 PMID: 25741868, with internal and published modifications).

NM_001396959.1(TBC1D1):c.2518+9G>T

Gene: TBC1D1 (TBC1 domain family member 1; plus strand). Cytogenetic location: 4p14.
Variant type: single nucleotide variant.
Coding change: c.2518+9G>T on transcript NM_001396959.1 (MANE Select); 9 bases into the intron after coding-DNA position 2518, G replaced by T.
Molecular consequence: intron variant.
Genome position (GRCh38, 1-based): chr4:38,090,126, G>T. VCF-style: chr4-38090126-G-T. GRCh37 (hg19) VCF-style: chr4-38091747-G-T.
Other names: c.2518+9G>T (NM_001253912.2); c.2236+9G>T (NM_015173.4).
Identifiers: ClinVar variation 3030755 (VCV003030755.2), dbSNP rs535861113, ClinGen allele CA2888033.